The following is an entry in ClinVar:

NM_020366.4(RPGRIP1):c.1792C>T (p.Arg598Ter)

Gene: RPGRIP1 (RPGR interacting protein 1; plus strand). Cytogenetic location: 14q11.2.
Variant type: single nucleotide variant.
Coding change: c.1792C>T on transcript NM_020366.4 (MANE Select); coding-DNA position 1792, C replaced by T.
Protein change: p.Arg598Ter; replaces arginine 598 with a stop codon.
Molecular consequence: nonsense. On other transcripts: intron variant (3).
Genome position (GRCh38, 1-based): chr14:21,324,647, C>T. VCF-style: chr14-21324647-C-T. GRCh37 (hg19) VCF-style: chr14-21792806-C-T.
Other names: c.718C>T, p.Arg240Ter (NM_001377948.1, NM_001377949.1); c.688+2643C>T (NM_001377523.1, NM_001377950.1); c.190+2643C>T (NM_001377951.1); short protein forms R598*, R240*.
Identifiers: ClinVar variation 489168 (VCV000489168.21), dbSNP rs775935766, ClinGen allele CA7089094.

ClinVar aggregate classification (germline): Pathogenic/Likely pathogenic. Review status: criteria provided, multiple submitters, no conflicts (2 of 4 stars). 8 submissions from 8 submitters: Pathogenic (1); Likely pathogenic (7). Last evaluated 2026-01-26.

Conditions:
RPGRIP1-related disorder. Also called: RPGRIP1-related condition.
Leber congenital amaurosis 6 (LCA6). Identifiers: Orphanet 65, MedGen C1854260, MONDO:0013446, OMIM 613826.
Cone-rod dystrophy 13 (CORD13). Identifiers: Orphanet 1872, MedGen C2750720, MONDO:0011987, OMIM 608194.
Leber congenital amaurosis (LCA). Also called: Leber's amaurosis. Identifiers: Orphanet 65, MedGen C0339527, MeSH D057130, MONDO:0018998.

Allele frequency attached by ClinVar (database versions not stated): gnomAD 0.00002 and 0.00003; TOPMed 0.00002; gnomAD exomes 0.00006; ExAC 0.00007.
gnomAD v4.1: 58 of 1,613,850 alleles (0.0036%); highest among the groups gnomAD compares: Admixed American, 0.025%; 1 homozygote.

Submissions (8):

Labcorp Genetics (formerly Invitae), Labcorp
Classification: Pathogenic for Leber congenital amaurosis 6; Cone-rod dystrophy 13. Last evaluated: 2026-01-26. Review status: criteria provided, single submitter. Criteria: Invitae Variant Classification Sherloc (09022015). Collection method: clinical testing. Allele origin: germline.
Comment: This sequence change creates a premature translational stop signal (p.Arg598*) in the RPGRIP1 gene. It is expected to result in an absent or disrupted protein product. Loss-of-function variants in RPGRIP1 are known to be pathogenic (PMID: 11528500, 23105016). This variant is present in population databases (rs775935766, gnomAD 0.02%). This variant has not been reported in the literature in individuals affected with RPGRIP1-related conditions. ClinVar contains an entry for this variant (Variation ID: 489168). Algorithms developed to predict the effect of sequence changes on RNA splicing suggest that this variant may disrupt the consensus splice site. For these reasons, this variant has been classified as Pathogenic.

PreventionGenetics, part of Exact Sciences
Classification: Likely pathogenic for RPGRIP1-related condition. Last evaluated: 2026-01-12. Review status: criteria provided, single submitter. Criteria: ACMG Guidelines, 2015. Collection method: clinical testing. Allele origin: germline.
Comment: The RPGRIP1 c.1792C>T variant is predicted to result in premature protein termination (p.Arg598*). To our knowledge, this variant has not been reported in the literature in association with disease. This variant is reported in 0.020% of alleles in individuals of Latino descent in gnomAD. Nonsense variants in RPGRIP1 are expected to be pathogenic. This variant is interpreted as likely pathogenic.

Blueprint Genetics
Classification: Likely pathogenic for RPGRIP1-related disorders. Last evaluated: 2024-11-19. Review status: criteria provided, single submitter. Criteria: ACMG Guidelines, 2015. Collection method: clinical testing. Allele origin: germline. Affected: yes. Observed: 5 variant alleles.

Fulgent Genetics
Classification: Likely pathogenic for Cone-rod dystrophy 13; Leber congenital amaurosis 6. Last evaluated: 2024-01-05. Review status: criteria provided, single submitter. Criteria: ACMG Guidelines, 2015. Collection method: clinical testing. Allele origin: germline.

Women's Health and Genetics/Laboratory Corporation of America, LabCorp
Classification: Likely pathogenic for Leber congenital amaurosis. Last evaluated: 2023-03-03. Review status: criteria provided, single submitter. Criteria: LabCorp Variant Classification Summary - May 2015. Collection method: clinical testing. Allele origin: germline.
Comment: Variant summary: RPGRIP1 c.1792C>T (p.Arg598X) results in a premature termination codon, predicted to cause a truncation of the encoded protein or absence of the protein due to nonsense mediated decay, which are commonly known mechanisms for disease. The variant allele was found at a frequency of 6e-05 in 249040 control chromosomes (gnomAD). This frequency is not significantly higher than estimated for a pathogenic variant in RPGRIP1 causing Leber Congenital Amaurosis (6e-05 vs 0.0011), allowing no conclusion about variant significance. To our knowledge, no occurrence of c.1792C>T in individuals affected with Leber Congenital Amaurosis and no experimental evidence demonstrating its impact on protein function have been reported. Four clinical diagnostic laboratories have submitted clinical-significance assessments for this variant to ClinVar after 2014 and classified the variant as pathogenic (n=1)/likely pathogenic (n=2) or VUS (n=1). Based on the evidence outlined above, the variant was classified as likely pathogenic.

Department of Pathology and Laboratory Medicine, Sinai Health System
Classification: Likely pathogenic for Leber congenital amaurosis 6; Cone-rod dystrophy 13. Last evaluated: 2023-02-27. Review status: criteria provided, single submitter. Criteria: ACMG Guidelines, 2015. Collection method: research. Allele origin: germline.

Genome-Nilou Lab
Classification: Likely pathogenic for Leber congenital amaurosis 6. Last evaluated: 2021-11-07. Review status: criteria provided, single submitter. Criteria: ACMG Guidelines, 2015. Collection method: clinical testing. Allele origin: germline. Affected: no.

GeneDx
Classification: Likely pathogenic. Last evaluated: 2017-11-28. Review status: criteria provided, single submitter. Criteria: GeneDx Variant Classification (06012015). Collection method: clinical testing. Allele origin: germline. Affected: yes.
Comment: The R598X variant in the RPGRIP1 gene has not been reported previously as a pathogenic variant nor as a benign variant, to our knowledge. This variant is predicted to cause loss of normal protein function either through protein truncation or nonsense-mediated mRNA decay. The R598X variant is not observed at a significant frequency in large population cohorts (Lek et al., 2016). We interpret R598X as a likely pathogenic variant.

Literature cited by the submitters: PubMed 11528500 (cited by Labcorp Genetics (formerly Invitae), Labcorp); PubMed 23105016 (cited by Labcorp Genetics (formerly Invitae), Labcorp).